The following is an entry in ClinVar:

ClinVar aggregate classification (germline): Uncertain significance (1 of 4 stars; one submission).

gnomAD v4.1: 132 of 1,607,162 alleles (0.0082%); highest among the groups gnomAD compares: Non-Finnish European, 0.0065%; 1 homozygote.

Submission:

Labcorp Genetics (formerly Invitae), Labcorp
Classification: Uncertain significance. Last evaluated: 2025-10-19. Review status: criteria provided, single submitter. Criteria: Invitae Variant Classification Sherloc (09022015). Collection method: clinical testing. Allele origin: germline.
Comment: This sequence change replaces glutamic acid, which is acidic and polar, with glutamine, which is neutral and polar, at codon 798 of the NIN protein (p.Glu798Gln). This variant is present in population databases (rs141236095, gnomAD 0.05%). This variant has not been reported in the literature in individuals affected with NIN-related conditions. An algorithm developed to predict the effect of missense changes on protein structure and function (PolyPhen-2) suggests that this variant is likely to be disruptive. In summary, the available evidence is currently insufficient to determine the role of this variant in disease. Therefore, it has been classified as a Variant of Uncertain Significance.

NM_020921.4(NIN):c.2392G>C (p.Glu798Gln)

Gene: NIN (ninein; minus strand). Cytogenetic location: 14q22.1.
Variant type: single nucleotide variant.
Coding change: c.2392G>C on transcript NM_020921.4 (MANE Select); coding-DNA position 2392, G replaced by C.
Protein change: p.Glu798Gln; replaces glutamic acid 798 with glutamine.
Molecular consequence: missense variant.
Genome position (GRCh38, 1-based): chr14:50,759,864, C>G on the plus strand (G>C on the coding strand, the complement: NIN is on the minus strand). VCF-style: chr14-50759864-C-G. GRCh37 (hg19) VCF-style: chr14-51226582-C-G.
Other names: c.2392G>C, p.Glu798Gln (NM_016350.5, NM_182944.3, NM_182946.2); short protein forms E798Q.
Identifiers: ClinVar variation 4693140 (VCV004693140.1).